The following is an entry in ClinVar:

ClinVar aggregate classification (germline): Uncertain significance (1 of 4 stars; one submission).

gnomAD v4.1: 3 of 1,613,954 alleles (0.00019%); highest among the groups gnomAD compares: Non-Finnish European, 0.00025%; no homozygotes.

Submission:

Labcorp Genetics (formerly Invitae), Labcorp
Classification: Uncertain significance. Last evaluated: 2024-11-27. Review status: criteria provided, single submitter. Criteria: Invitae Variant Classification Sherloc (09022015). Collection method: clinical testing. Allele origin: germline.
Comment: This sequence change replaces valine, which is neutral and non-polar, with phenylalanine, which is neutral and non-polar, at codon 459 of the SIAE protein (p.Val459Phe). This variant is present in population databases (rs188195886, gnomAD 0.002%). This variant has not been reported in the literature in individuals affected with SIAE-related conditions. ClinVar contains an entry for this variant (Variation ID: 1360261). An algorithm developed to predict the effect of missense changes on protein structure and function outputs the following: PolyPhen-2: "Benign". The phenylalanine amino acid residue is found in multiple mammalian species, which suggests that this missense change does not adversely affect protein function. In summary, the available evidence is currently insufficient to determine the role of this variant in disease. Therefore, it has been classified as a Variant of Uncertain Significance.

NM_170601.5(SIAE):c.1375G>T (p.Val459Phe)

Gene: SIAE (sialic acid acetylesterase; minus strand). Cytogenetic location: 11q24.2.
Variant type: single nucleotide variant.
Coding change: c.1375G>T on transcript NM_170601.5 (MANE Select); coding-DNA position 1375, G replaced by T.
Protein change: p.Val459Phe; replaces valine 459 with phenylalanine.
Molecular consequence: missense variant.
Genome position (GRCh38, 1-based): chr11:124,637,148, C>A on the plus strand (G>T on the coding strand, the complement: SIAE is on the minus strand). VCF-style: chr11-124637148-C-A. GRCh37 (hg19) VCF-style: chr11-124507044-C-A.
Other names: c.1270G>T, p.Val424Phe (NM_001199922.2); short protein forms V424F, V459F.
Identifiers: ClinVar variation 1360261 (VCV001360261.8), dbSNP rs188195886, ClinGen allele CA6341189.